The following is an entry in ClinVar:

NM_001376.5(DYNC1H1):c.10134_10135inv (p.Asn3378_Tyr3379delinsLysAsn)

Gene: DYNC1H1 (dynein cytoplasmic 1 heavy chain 1; plus strand). Cytogenetic location: 14q32.31.
Variant type: Inversion.
Coding change: c.10134_10135inv on transcript NM_001376.5 (MANE Select).
Protein change: p.Asn3378_Tyr3379delinsLysAsn.
Molecular consequence: missense variant.
Genome position: GRCh38 VCF-style: chr14-102033119-TT-AA. GRCh37 (hg19) VCF-style: chr14-102499456-TT-AA.
Identifiers: ClinVar variation 1304645 (VCV001304645.7), ClinGen allele CA2573053855.

ClinVar aggregate classification (germline): Uncertain significance. Review status: criteria provided, multiple submitters, no conflicts (2 of 4 stars). 2 submissions from 2 submitters: Uncertain significance (2). Last evaluated 2025-09-24.

Conditions:
Charcot-Marie-Tooth disease axonal type 2O. Also called: CHARCOT-MARIE-TOOTH NEUROPATHY, AXONAL, TYPE 2O; CHARCOT-MARIE-TOOTH DISEASE, AXONAL, AUTOSOMAL DOMINANT, TYPE 2O; Charcot-Marie-Tooth disease, axonal, type 20; Charcot-Marie-Tooth Neuropathy Type 2O. Identifiers: Orphanet 284232, MedGen C3280220, MONDO:0013644, OMIM 614228.

Submissions (2):

Labcorp Genetics (formerly Invitae), Labcorp
Classification: Uncertain significance for Charcot-Marie-Tooth disease axonal type 2O. Last evaluated: 2025-09-24. Review status: criteria provided, single submitter. Criteria: Invitae Variant Classification Sherloc (09022015). Collection method: clinical testing. Allele origin: germline.
Comment: This variant, c.10134_10135delinsAA, is a complex sequence change that results in the deletion of 2 and insertion of 2 amino acid(s) in the DYNC1H1 protein (p.Asn3378_Tyr3379delinsLysAsn). Information on the frequency of this variant in the gnomAD database is not available, as this variant may be reported differently in the database. This variant has not been reported in the literature in individuals affected with DYNC1H1-related conditions. ClinVar contains an entry for this variant (Variation ID: 1304645). Experimental studies and prediction algorithms are not available or were not evaluated, and the functional significance of this variant is currently unknown. In summary, the available evidence is currently insufficient to determine the role of this variant in disease. Therefore, it has been classified as a Variant of Uncertain Significance.

GeneDx
Classification: Uncertain significance. Last evaluated: 2024-06-27. Review status: criteria provided, single submitter. Criteria: GeneDx Variant Classification Process June 2021. Collection method: clinical testing. Allele origin: germline. Affected: yes.
Comment: Not observed in large population cohorts (gnomAD); In silico analysis supports a deleterious effect on protein structure/function; Has not been previously published as pathogenic or benign to our knowledge; This variant is associated with the following publications: (PMID: 25512093, 25609763, 26100331)